The following is an entry in ClinVar:

ClinVar aggregate classification (germline): Pathogenic. Review status: reviewed by expert panel (3 of 4 stars). 8 submissions from 8 submitters: Pathogenic (1). 7 of the submissions do not count toward it. Last evaluated 2016-09-08.

Conditions:
Familial cancer of breast. Also called: BREAST CANCER, FAMILIAL; hereditary breast carcinoma; Hereditary breast cancer. Identifiers: Orphanet 227535, MedGen C0346153, MONDO:0016419, OMIM 114480. Disease mechanism: loss of function.
Breast-ovarian cancer, familial, susceptibility to, 2 (BROVCA2). Also called: BRCA2 Hereditary Breast and Ovarian Cancer. Identifiers: Orphanet 145, MedGen C2675520, MONDO:0012933, OMIM 612555. Disease mechanism: loss of function.
Pancreatic cancer, susceptibility to, 2. Identifiers: Orphanet 1333, MedGen C3150546, MONDO:0013235, OMIM 613347.
Hereditary cancer-predisposing syndrome. Also called: Tumor predisposition; Hereditary neoplastic syndrome; Neoplastic Syndromes, Hereditary; Hereditary Cancer Syndrome. Identifiers: Orphanet 140162, MedGen C0027672, MeSH D009386, MONDO:0015356.
Hereditary breast ovarian cancer syndrome. Also called: Hereditary breast and ovarian cancer syndrome; Hereditary breast and ovarian cancer syndrome (HBOC); Breast and ovarian cancer; Hereditary breast and/or ovarian cancer syndrome; Hereditary breast and ovarian cancer; BRCA1- and BRCA2-Associated Hereditary Breast and Ovarian Cancer. Identifiers: Orphanet 145, MedGen C0677776, MeSH D061325, MONDO:0003582. Disease mechanism: loss of function.

Submissions (8):

Evidence-based Network for the Interpretation of Germline Mutant Alleles (ENIGMA)
Classification: Pathogenic for Breast-ovarian cancer, familial, susceptibility to, 2. Last evaluated: 2016-09-08. Review status: reviewed by expert panel. Criteria: ENIGMA BRCA1/2 Classification Criteria (2015). Collection method: curation. Allele origin: germline.
Comment: Variant allele predicted to encode a truncated non-functional protein.

Labcorp Genetics (formerly Invitae), Labcorp
Classification: Pathogenic for Hereditary breast ovarian cancer syndrome. Last evaluated: 2025-12-02. Review status: criteria provided, single submitter. Criteria: Invitae Variant Classification Sherloc (09022015). Collection method: clinical testing. Allele origin: germline. Not counted in ClinVar's aggregate classification.
Comment: This sequence change creates a premature translational stop signal (p.Leu2996*) in the BRCA2 gene. It is expected to result in an absent or disrupted protein product. Loss-of-function variants in BRCA2 are known to be pathogenic (PMID: 20104584). This variant is not present in population databases (gnomAD no frequency). This premature translational stop signal has been observed in individual(s) with breast and/or ovarian cancer (PMID: 29088781, 30103829). ClinVar contains an entry for this variant (Variation ID: 219665). For these reasons, this variant has been classified as Pathogenic.

Dasa
Classification: Pathogenic for Breast-ovarian cancer, familial, susceptibility to, 2. Last evaluated: 2025-09-09. Review status: criteria provided, single submitter. Criteria: DASA Assertion Criteria. Collection method: clinical testing. Allele origin: germline. Not counted in ClinVar's aggregate classification.
Comment: NM_000059.4(BRCA2):c.8987T>A (p.Leu2996*) introduces a premature termination codon predicted to result in loss of normal protein function. Loss-of-function is an established mechanism of disease for this gene. The affected residue or protein region has prior evidence supporting clinical relevance. This variant has been recurrently observed in individuals with Breast-ovarian cancer, familial, susceptibility to, 2 (PMID: 29088781; PMID: 30103829; PMID: 31446535). The variant is present at low frequency in population datasets. Based on the available data, this variant is classified as pathogenic.

Institute of Immunology and Genetics Kaiserslautern
Classification: Pathogenic for Breast-ovarian cancer, familial, susceptibility to, 2; Familial cancer of breast; Pancreatic cancer, susceptibility to, 2. Last evaluated: 2025-06-03. Review status: criteria provided, single submitter. Criteria: ACMG Guidelines, 2015. Collection method: clinical testing. Allele origin: germline. Not counted in ClinVar's aggregate classification.
Comment: ACMG Criteria: PVS1, PS4, PM2, PP5; Variant was found in heterozygous state.

Ambry Genetics
Classification: Pathogenic for Hereditary cancer-predisposing syndrome. Last evaluated: 2024-04-30. Review status: criteria provided, single submitter. Criteria: Ambry Variant Classification Scheme 2023. Collection method: clinical testing. Allele origin: germline. Not counted in ClinVar's aggregate classification.
Comment: The p.L2996* pathogenic mutation (also known as c.8987T>A), located in coding exon 22 of the BRCA2 gene, results from a T to A substitution at nucleotide position 8987. This changes the amino acid from a leucine to a stop codon within coding exon 22. This mutation has been reported in multiple Chilean families with hereditary breast cancer (Alvarez C et al. Oncotarget, 2017 Sep;8:74233-74243). This variant is considered to be rare based on population cohorts in the Genome Aggregation Database (gnomAD). In addition to the clinical data presented in the literature, this alteration is expected to result in loss of function by premature protein truncation or nonsense-mediated mRNA decay. As such, this alteration is interpreted as a disease-causing mutation.

Color Diagnostics, LLC DBA Color Health
Classification: Pathogenic for Hereditary cancer-predisposing syndrome. Last evaluated: 2023-09-12. Review status: criteria provided, single submitter. Criteria: ACMG Guidelines, 2015. Collection method: clinical testing. Allele origin: germline. Not counted in ClinVar's aggregate classification.
Comment: This variant changes 1 nucleotide in exon 23 of the BRCA2 gene, creating a premature translation stop signal. This variant is expected to result in an absent or non-functional protein product. This variant has been reported in 1 individual affected with ovarian cancer, 1 individual affected with breast cancer, and in 6 individuals with a personal or family history of breast cancer (PMID: 29088781, 30103829, 31446535). This variant has not been identified in the general population by the Genome Aggregation Database (gnomAD). Loss of BRCA2 function is a known mechanism of disease. Based on the available evidence, this variant is classified as Pathogenic.

Clinical Genetics and Genomics, Karolinska University Hospital
Classification: Pathogenic. Last evaluated: 2018-02-28. Review status: criteria provided, single submitter. Criteria: ACMG Guidelines, 2015. Collection method: clinical testing. Allele origin: germline. Affected: yes. Observed: 1 variant allele. Not counted in ClinVar's aggregate classification.

BRCAlab, Lund University
Classification: Pathogenic for Breast-ovarian cancer, familial, susceptibility to, 2. Last evaluated: 2022-08-26. Review status: no assertion criteria provided. Collection method: clinical testing. Allele origin: germline. Affected: yes. Not counted in ClinVar's aggregate classification.

Literature cited by the submitters: PubMed 20104584 (cited by Labcorp Genetics (formerly Invitae), Labcorp); PubMed 29088781 (cited by 4 submitters); PubMed 30103829 (cited by 3 submitters); PubMed 31446535 (cited by Dasa and Color Diagnostics, LLC DBA Color Health).

NM_000059.4(BRCA2):c.8987T>A (p.Leu2996Ter)

Gene: BRCA2 (BRCA2 DNA repair associated; plus strand). Cytogenetic location: 13q13.1.
Variant type: single nucleotide variant.
Coding change: c.8987T>A on transcript NM_000059.4 (MANE Select); coding-DNA position 8987, T replaced by A.
Protein change: p.Leu2996Ter; replaces leucine 2996 with a stop codon.
Molecular consequence: nonsense.
Genome position (GRCh38, 1-based): chr13:32,379,783, T>A. VCF-style: chr13-32379783-T-A. GRCh37 (hg19) VCF-style: chr13-32953920-T-A.
Other names: short protein forms L2996*.
Identifiers: ClinVar variation 219665 (VCV000219665.39), dbSNP rs864622200, ClinGen allele CA348592.
Genomic context (GRCh38, chr13:32,379,783, plus strand): 5'-GCATCTTTCTCATCTTTCTCCAAACAGTTATACTGAGTATTTGGCGTCCATCATCAGATT[T>A]ATATTCTCTGTTAACAGAAGGAAAGAGATACAGAATTTATCATCTTGCAACTTCAAAATC-3'